The following is an entry in ClinVar:

ClinVar aggregate classification (germline): Uncertain significance (1 of 4 stars; one submission).

gnomAD v4.1: 1 of 1,598,198 alleles (0.000063%); highest among the groups gnomAD compares: Admixed American, 0.0017%; no homozygotes.

Submission:

Labcorp Genetics (formerly Invitae), Labcorp
Classification: Uncertain significance. Last evaluated: 2025-10-23. Review status: criteria provided, single submitter. Criteria: Invitae Variant Classification Sherloc (09022015). Collection method: clinical testing. Allele origin: germline.
Comment: This sequence change replaces serine, which is neutral and polar, with cysteine, which is neutral and slightly polar, at codon 2098 of the CACNA1E protein (p.Ser2098Cys). This variant is present in population databases (rs764871145, gnomAD 0.003%). This variant has not been reported in the literature in individuals affected with CACNA1E-related conditions. Invitae Evidence Modeling of protein sequence and biophysical properties (such as structural, functional, and spatial information, amino acid conservation, physicochemical variation, residue mobility, and thermodynamic stability) has been performed for this missense variant. However, the output from this modeling did not meet the statistical confidence thresholds required to predict the impact of this variant on CACNA1E protein function. In summary, the available evidence is currently insufficient to determine the role of this variant in disease. Therefore, it has been classified as a Variant of Uncertain Significance.

NM_001205293.3(CACNA1E):c.6421A>T (p.Ser2141Cys)

Gene: CACNA1E (calcium voltage-gated channel subunit alpha1 E; plus strand). Cytogenetic location: 1q25.3.
Variant type: single nucleotide variant.
Coding change: c.6421A>T on transcript NM_001205293.3 (MANE Select); coding-DNA position 6421, A replaced by T.
Protein change: p.Ser2141Cys; replaces serine 2141 with cysteine.
Molecular consequence: missense variant.
Genome position (GRCh38, 1-based): chr1:181,798,313, A>T. VCF-style: chr1-181798313-A-T. GRCh37 (hg19) VCF-style: chr1-181767449-A-T.
Other names: c.6292A>T, p.Ser2098Cys (NM_000721.4); c.6235A>T, p.Ser2079Cys (NM_001205294.2); short protein forms S2079C, S2098C, S2141C.
Identifiers: ClinVar variation 4800010 (VCV004800010.1).